The following is an entry in ClinVar:

ClinVar aggregate classification (germline): Conflicting classifications of pathogenicity. Review status: criteria provided, conflicting classifications (1 of 4 stars). 2 submissions from 2 submitters: Likely pathogenic (1); Uncertain significance (1). Last evaluated 2022-01-01.

Conditions:
Muscular dystrophy-dystroglycanopathy (congenital with impaired intellectual development), type B, 2. Also called: Muscular dystrophy-dystroglycanopathy (congenital with intellectual disability), type B2; MUSCULAR DYSTROPHY, CONGENITAL, POMT2-RELATED. Identifiers: MedGen C3150416, MONDO:0013160, OMIM 613156.

Allele frequency attached by ClinVar (database versions not stated): gnomAD exomes below 0.00001; gnomAD 0.00001.

Submissions (2):

Department of Maternal-Fetal Biology, National Research Institute for Child Health and Development
Classification: Likely pathogenic for Muscular dystrophy-dystroglycanopathy (congenital with impaired intellectual development), type B, 2. Last evaluated: 2022-01-01. Review status: criteria provided, single submitter. Criteria: ACMG Guidelines, 2015. Collection method: research. Allele origin: paternal. Affected: yes. Observed: 1 variant allele.

Broad Center for Mendelian Genomics, Broad Institute of MIT and Harvard
Classification: Uncertain significance for Muscular dystrophy-dystroglycanopathy (congenital with impaired intellectual development), type B, 2. Last evaluated: 2018-06-15. Review status: criteria provided, single submitter. Criteria: ACMG Guidelines, 2015. Collection method: research. Allele origin: germline. Inheritance: Autosomal recessive inheritance. Affected: yes.
Comment: This variant was absent from large population studies. The Histidine (His) at position 416 is highly conserved in mammals and evolutionarily distant species, raising the possibility that a change at this position may not be tolerated. Computational prediction tools suggest that this variant may impact the protein, though this information is not predictive enough to determine pathogenicity. In summary, the clinical significance of this variant is uncertain.

NM_013382.7(POMT2):c.1248C>G (p.His416Gln)

Gene: POMT2 (protein O-mannosyltransferase 2; minus strand). Cytogenetic location: 14q24.3.
Variant type: single nucleotide variant.
Coding change: c.1248C>G on transcript NM_013382.7 (MANE Select); coding-DNA position 1248, C replaced by G.
Protein change: p.His416Gln; replaces histidine 416 with glutamine.
Molecular consequence: missense variant.
Genome position (GRCh38, 1-based): chr14:77,288,767, G>C on the plus strand (C>G on the coding strand, the complement: POMT2 is on the minus strand). VCF-style: chr14-77288767-G-C. GRCh37 (hg19) VCF-style: chr14-77755110-G-C.
Other names: short protein forms H416Q.
Identifiers: ClinVar variation 635064 (VCV000635064.3), dbSNP rs1566649375, ClinGen allele CA390518164.